The following is an entry in ClinVar:

ClinVar aggregate classification (germline): Conflicting classifications of pathogenicity. Review status: criteria provided, conflicting classifications (1 of 4 stars). 3 submissions from 3 submitters: Uncertain significance (2); Likely benign (1). Last evaluated 2026-01-21.

Conditions:
Familial hemophagocytic lymphohistiocytosis 5. Also called: STXBP2-Related Familial Hemophagocytic Lymphohistiocytosis (STXBP2-fHLH). Identifiers: Orphanet 540, MedGen C2751293, MONDO:0013135, OMIM 613101.

Allele frequency attached by ClinVar (database versions not stated): gnomAD exomes 0.00003 and 0.00010; ExAC 0.00016; TOPMed 0.00028; gnomAD 0.00032; 1000 Genomes Project 30x 0.00078; 1000 Genomes Project 0.00100.
gnomAD v4.1: 103 of 1,613,752 alleles (0.0064%); highest among the groups gnomAD compares: African/African-American, 0.11%; no homozygotes.

Submissions (3):

Labcorp Genetics (formerly Invitae), Labcorp
Classification: Likely benign for Familial hemophagocytic lymphohistiocytosis 5. Last evaluated: 2026-01-21. Review status: criteria provided, single submitter. Criteria: Invitae Variant Classification Sherloc (09022015). Collection method: clinical testing. Allele origin: germline.

Women's Health and Genetics/Laboratory Corporation of America, LabCorp
Classification: Uncertain significance. Last evaluated: 2024-03-05. Review status: criteria provided, single submitter. Criteria: LabCorp Variant Classification Summary - May 2015. Collection method: clinical testing. Allele origin: germline.
Comment: Variant summary: STXBP2 c.1772C>A (p.Ala591Asp) results in a non-conservative amino acid change in the encoded protein sequence. Four of five in-silico tools predict a benign effect of the variant on protein function. The variant allele was found at a frequency of 0.0001 in 251204 control chromosomes. This frequency is not significantly higher than estimated for a pathogenic variant in STXBP2 causing Familial Hemophagocytic Lymphohistiocytosis (0.0001 vs 0.0022), allowing no conclusion about variant significance. To our knowledge, c.1772C>A has not been reported in the literature in individuals affected with Familial Hemophagocytic Lymphohistiocytosis and no experimental evidence demonstrating an impact on protein function has been reported. The following publication has been ascertained in the context of this evaluation (PMID: 36510129). ClinVar contains an entry for this variant (Variation ID: 846703). Based on the evidence outlined above, the variant was classified as uncertain significance.

Breakthrough Genomics
Classification: Uncertain significance. Review status: criteria provided, single submitter. Criteria: ACMG Guidelines, 2015. Collection method: not provided. Allele origin: germline. Inheritance: Autosomal recessive inheritance. Affected: yes.

Literature cited by the submitters: PubMed 36510129 (cited by Women's Health and Genetics/Laboratory Corporation of America, LabCorp).

NM_006949.4(STXBP2):c.1772C>A (p.Ala591Asp)

Gene: STXBP2 (syntaxin binding protein 2; plus strand). Cytogenetic location: 19p13.2.
Variant type: single nucleotide variant.
Coding change: c.1772C>A on transcript NM_006949.4 (MANE Select); coding-DNA position 1772, C replaced by A.
Protein change: p.Ala591Asp; replaces alanine 591 with aspartic acid.
Molecular consequence: missense variant. On other transcripts: non-coding transcript variant (1).
Genome position (GRCh38, 1-based): chr19:7,647,800, C>A. VCF-style: chr19-7647800-C-A. GRCh37 (hg19) VCF-style: chr19-7712686-C-A.
Other names: c.1763C>A, p.Ala588Asp (NM_001127396.3); c.1805C>A, p.Ala602Asp (NM_001272034.2); short protein forms A591D, A588D, A602D.
Identifiers: ClinVar variation 846703 (VCV000846703.10), dbSNP rs150701487, ClinGen allele CA9144335.